The following is an entry in ClinVar:

NM_002500.5(NEUROD1):c.658T>G (p.Ser220Ala)

Gene: NEUROD1 (neuronal differentiation 1; minus strand). Cytogenetic location: 2q31.3.
Variant type: single nucleotide variant.
Coding change: c.658T>G on transcript NM_002500.5 (MANE Select); coding-DNA position 658, T replaced by G.
Protein change: p.Ser220Ala; replaces serine 220 with alanine.
Molecular consequence: missense variant.
Genome position (GRCh38, 1-based): chr2:181,678,203, A>C on the plus strand (T>G on the coding strand, the complement: NEUROD1 is on the minus strand). VCF-style: chr2-181678203-A-C. GRCh37 (hg19) VCF-style: chr2-182542930-A-C.
Other names: short protein forms S220A.
Identifiers: ClinVar variation 2067242 (VCV002067242.4), dbSNP rs1688623016, ClinGen allele CA349783507.

ClinVar aggregate classification (germline): Uncertain significance (1 of 4 stars; one submission).

Allele frequency attached by ClinVar (database versions not stated): gnomAD exomes below 0.00001.
gnomAD v4.1: 7 of 1,614,066 alleles (0.00043%); highest among the groups gnomAD compares: African/African-American, 0.004%; no homozygotes.

Submission:

Labcorp Genetics (formerly Invitae), Labcorp
Classification: Uncertain significance. Last evaluated: 2024-12-29. Review status: criteria provided, single submitter. Criteria: Invitae Variant Classification Sherloc (09022015). Collection method: clinical testing. Allele origin: germline.
Comment: This sequence change replaces serine, which is neutral and polar, with alanine, which is neutral and non-polar, at codon 220 of the NEUROD1 protein (p.Ser220Ala). This variant is not present in population databases (gnomAD no frequency). This variant has not been reported in the literature in individuals affected with NEUROD1-related conditions. ClinVar contains an entry for this variant (Variation ID: 2067242). Invitae Evidence Modeling of protein sequence and biophysical properties (such as structural, functional, and spatial information, amino acid conservation, physicochemical variation, residue mobility, and thermodynamic stability) indicates that this missense variant is not expected to disrupt NEUROD1 protein function with a negative predictive value of 80%. In summary, the available evidence is currently insufficient to determine the role of this variant in disease. Therefore, it has been classified as a Variant of Uncertain Significance.